The following is an entry in ClinVar:

ClinVar aggregate classification (germline): Likely pathogenic (1 of 4 stars; one submission).

Conditions:
Spondylocostal dysostosis 2, autosomal recessive (SCDO2). Also called: MESP2-Related Spondylocostal Dysostosis, Autosomal Recessive; Spondylocostal dysostosis type 2. Identifiers: Orphanet 2311, MedGen C1837549, MONDO:0012097, OMIM 608681.

Submission:

Natera, Inc.
Classification: Likely pathogenic for Spondylocostal dysostosis type 2. Last evaluated: 2024-09-09. Review status: criteria provided, single submitter. Criteria: Natera Variant Classification Schema (03/2026). Collection method: clinical testing. Allele origin: germline.
Comment: The c.605_638del variant in MESP2 is a frameshift variant predicted to elongate the protein beyond the termination codon. This variant is expected to result in nonsense mediated decay, truncation, or a dysfunctional protein product. This variant is rare in the general population with a frequency below the threshold expected for the associated phenotype(s). Given the available evidence, this variant is classified as Likely Pathogenic.

NM_001039958.2(MESP2):c.605_638del (p.Gln202fs)

Gene: MESP2 (mesoderm posterior bHLH transcription factor 2; plus strand). Cytogenetic location: 15q26.1.
Variant type: Deletion.
Coding change: c.605_638del on transcript NM_001039958.2 (MANE Select); coding-DNA positions 605 to 638, 34 bases deleted.
Protein change: p.Gln202fs; shifts the reading frame from glutamine 202.
Molecular consequence: frameshift variant.
Genome position (GRCh38, 1-based): chr15:89,776,962-89,776,995, 34 bases deleted; deleting any 34 consecutive bases within chr15:89,776,960-89,776,995 gives the same sequence; the c. name uses the placement nearest the transcript's 3' end. GRCh37 (hg19): chr15:90,320,193-90,320,226.
Other names: short protein forms Q202fs.
Identifiers: ClinVar variation 4814579 (VCV004814579.1).
Genomic context (GRCh38, chr15:89,776,959, plus strand): 5'-GGCAAGGGCAGGGGCAGGGGCAGGGGCAAGGGCAGGGGCAAGGACAGGGGCAAGGACAGG[GGCAAGGGCAGGGGCGCAGGCCGGGCCTGGTCTCC>G]GCCGTCCTCGCCGAGGCGTCCTGGGGATCCCCGTCCGCCTGCCCCGGAGCCCAAGCCGCA-3'